The following is an entry in ClinVar:

ClinVar aggregate classification (germline): Uncertain significance. Review status: criteria provided, multiple submitters, no conflicts (2 of 4 stars). 2 submissions from 2 submitters: Uncertain significance (2). Last evaluated 2024-06-17.

gnomAD v4.1: 1 of 1,612,994 alleles (0.000062%); no homozygotes.

Submissions (2):

Women's Health and Genetics/Laboratory Corporation of America, LabCorp
Classification: Uncertain significance. Last evaluated: 2024-06-17. Review status: criteria provided, single submitter. Criteria: LabCorp Variant Classification Summary - May 2015. Collection method: clinical testing. Allele origin: germline.
Comment: Variant summary: CFTR c.1534T>A (p.Tyr512Asn) results in a non-conservative amino acid change located in the ABC transporter-like, ATP-binding domain (IPR003439) of the encoded protein sequence. Five of five in-silico tools predict a damaging effect of the variant on protein function. The variant was absent in 251192 control chromosomes. The available data on variant occurrences in the general population are insufficient to allow any conclusion about variant significance. To our knowledge, no occurrence of c.1534T>A in individuals affected with Cystic Fibrosis and no experimental evidence demonstrating its impact on protein function have been reported. ClinVar contains an entry for this variant (Variation ID: 595026). Based on the evidence outlined above, the variant was classified as uncertain significance.

Eurofins Ntd Llc (ga)
Classification: Uncertain significance. Last evaluated: 2017-11-15. Review status: criteria provided, single submitter. Criteria: EGL Classification Definitions 2015. Collection method: clinical testing. Allele origin: germline. Observed: 1 variant allele, 1 heterozygote.

NM_000492.4(CFTR):c.1534T>A (p.Tyr512Asn)

Genes: CFTR (CF transmembrane conductance regulator; plus strand), CFTR-AS1 (CFTR antisense RNA 1; minus strand). Cytogenetic location: 7q31.2.
Variant type: single nucleotide variant.
Coding change: c.1534T>A on transcript NM_000492.4 (MANE Select); coding-DNA position 1534, T replaced by A.
Protein change: p.Tyr512Asn; replaces tyrosine 512 with asparagine.
Molecular consequence: missense variant.
Genome position (GRCh38, 1-based): chr7:117,559,605, T>A. VCF-style: chr7-117559605-T-A. GRCh37 (hg19) VCF-style: chr7-117199659-T-A.
Other names: short protein forms Y512N.
Identifiers: ClinVar variation 595026 (VCV000595026.6), dbSNP rs1562898472, ClinGen allele CA368984781.